The following is an entry in ClinVar:

ClinVar aggregate classification (germline): Uncertain significance. Review status: criteria provided, multiple submitters, no conflicts (2 of 4 stars). 2 submissions from 2 submitters: Uncertain significance (2). Last evaluated 2025-02-26.

Conditions:
Inborn genetic diseases. Identifiers: MedGen C0950123, MeSH D030342.
2-aminoadipic 2-oxoadipic aciduria (AAKAD). Also called: Aminoadipic aciduria; ALPHA-AMINOADIPIC AND ALPHA-KETOADIPIC ACIDURIA. Identifiers: Orphanet 79154, MedGen C1859817, MONDO:0008774, OMIM 204750.

Allele frequency attached by ClinVar (database versions not stated): ExAC 0.00002; gnomAD exomes 0.00002 and 0.00001; 1000 Genomes Project 30x 0.00016; 1000 Genomes Project 0.00020; gnomAD 0.00001.
gnomAD v4.1: 19 of 1,614,130 alleles (0.0012%); highest among the groups gnomAD compares: South Asian, 0.02%; no homozygotes.

Submissions (2):

Ambry Genetics
Classification: Uncertain significance for Inborn genetic diseases. Last evaluated: 2025-02-26. Review status: criteria provided, single submitter. Criteria: Ambry Variant Classification Scheme 2023. Collection method: clinical testing. Allele origin: germline.

Labcorp Genetics (formerly Invitae), Labcorp
Classification: Uncertain significance for 2-aminoadipic 2-oxoadipic aciduria. Last evaluated: 2021-05-31. Review status: criteria provided, single submitter. Criteria: Invitae Variant Classification Sherloc (09022015). Collection method: clinical testing. Allele origin: germline.
Comment: In summary, the available evidence is currently insufficient to determine the role of this variant in disease. Therefore, it has been classified as a Variant of Uncertain Significance. Algorithms developed to predict the effect of missense changes on protein structure and function output the following: SIFT: "Tolerated"; PolyPhen-2: "Benign"; Align-GVGD: "Class C0". The glutamic acid amino acid residue is found in multiple mammalian species, suggesting that this missense change does not adversely affect protein function. These predictions have not been confirmed by published functional studies and their clinical significance is uncertain. This variant has not been reported in the literature in individuals with DHTKD1-related conditions. This variant is present in population databases (rs555471579, ExAC 0.02%). This sequence change replaces aspartic acid with glutamic acid at codon 144 of the DHTKD1 protein (p.Asp144Glu). The aspartic acid residue is moderately conserved and there is a small physicochemical difference between aspartic acid and glutamic acid.

NM_018706.7(DHTKD1):c.432C>A (p.Asp144Glu)

Gene: DHTKD1 (dehydrogenase E1 and transketolase domain containing 1; plus strand). Cytogenetic location: 10p14.
Variant type: single nucleotide variant.
Coding change: c.432C>A on transcript NM_018706.7 (MANE Select); coding-DNA position 432, C replaced by A.
Protein change: p.Asp144Glu; replaces aspartic acid 144 with glutamic acid.
Molecular consequence: missense variant.
Genome position (GRCh38, 1-based): chr10:12,084,661, C>A. VCF-style: chr10-12084661-C-A. GRCh37 (hg19) VCF-style: chr10-12126660-C-A.
Other names: c.432C>A (NM_018706.5); short protein forms D144E.
Identifiers: ClinVar variation 1365437 (VCV001365437.9), dbSNP rs555471579, ClinGen allele CA5407533.